The following is an entry in ClinVar:

ClinVar aggregate classification (germline): Uncertain significance (1 of 4 stars; one submission).

Conditions:
Congenital hyperammonemia, type I. Also called: CPS I DEFICIENCY; Carbamoyl phosphate synthetase I deficiency disease; Carbamoyl-phosphate synthase I deficiency; Carbamoyl phosphate synthetase 1 deficiency; Hyperammonemia due to carbamoyl phosphate synthetase 1 deficiency; CPS 1 deficiency. Identifiers: Orphanet 147, MedGen C4082171, MONDO:0009376, OMIM 237300.

Submission:

Myriad Genetics, Inc.
Classification: Uncertain significance for Congenital hyperammonemia, type I. Last evaluated: 2025-12-12. Review status: criteria provided, single submitter. Criteria: Myriad Autosomal Dominant, Autosomal Recessive and X-Linked Classification Criteria (2023). Collection method: clinical testing. Allele origin: unknown.
Comment: NM_001875.4(CPS1):c.896_898delTAA(I299del) is an in-frame deletion classified as a variant of uncertain significance in the context of carbamoylphosphate synthetase I deficiency.I299del has not been observed in cases with relevant disease. Relevant functional assessments of this variant are not available in the literature. I299del has not been observed in referenced population frequency databases. In summary, there is insufficient evidence to classify NM_001875.4(CPS1):c.896_898delTAA(I299del) as pathogenic or benign. Please note: this variant was assessed in the context of healthy population screening.

NM_001875.5(CPS1):c.893TAA[1] (p.Ile299del)

Gene: CPS1 (carbamoyl-phosphate synthase 1; plus strand). Cytogenetic location: 2q34.
Variant type: Microsatellite.
Coding change: c.893TAA[1] on transcript NM_001875.5 (MANE Select); one copy of the 3-base unit TAA starting at c.893; the reference has two copies in a row; one copy, 3 bases deleted.
Protein change: p.Ile299del; deletes isoleucine 299.
Molecular consequence: inframe deletion. On other transcripts: non-coding transcript variant (1).
Genome position (GRCh38, 1-based): chr2:210,590,855-210,590,857, TAA deleted; deleting any 3 consecutive bases within chr2:210,590,852-210,590,857 gives the same sequence; the position shown is the placement nearest the transcript's 3' end. VCF-style (leftmost placement, unchanged base first): chr2-210590851-TTAA-T. GRCh37 (hg19) VCF-style: chr2-211455575-TTAA-T.
Other names: c.893TAA[1], p.Ile299del (NM_001122633.3, NM_001369257.1); c.926TAA[1], p.Ile310del (NM_001369256.1); short protein forms I310del, I299del.
Identifiers: ClinVar variation 5003839 (VCV005003839.1).